The following is an entry in ClinVar:

NM_002473.6(MYH9):c.2728A>C (p.Lys910Gln)

Genes: MYH9 (myosin heavy chain 9; minus strand), LOC126863137 (CDK7 strongly-dependent group 2 enhancer GRCh37_chr22:36696002-36697201; plus strand). Cytogenetic location: 22q12.3.
Variant type: single nucleotide variant.
Coding change: c.2728A>C on transcript NM_002473.6 (MANE Select); coding-DNA position 2728, A replaced by C.
Protein change: p.Lys910Gln; replaces lysine 910 with glutamine.
Molecular consequence: missense variant.
Genome position (GRCh38, 1-based): chr22:36,300,961, T>G on the plus strand (A>C on the coding strand, the complement: MYH9 is on the minus strand). VCF-style: chr22-36300961-T-G. GRCh37 (hg19) VCF-style: chr22-36697007-T-G.
Other names: p.Lys910Gln; c.2728A>C (NM_002473.4); short protein forms K910Q.
Identifiers: ClinVar variation 2138444 (VCV002138444.23), dbSNP rs554332083, ClinGen allele CA10209880.
Genomic context (GRCh38, chr22:36,300,961, plus strand): 5'-GCTCCTCCTCCTCCTCCACCCTGGCCTCTAGGTCATGGCAGATCTCTTCTAATTCCTGCT[T>G]CTTGGCGGTCAGGCGGGCCCGGAGCTCCTCAGCCTCGGCACACAGCTCGGTTTCTGCCTG-3'
Protein context (NP_002464.1, residues 900-920): EELRARLTAK[Lys910Gln]QELEEICHDL

ClinVar aggregate classification (germline): Conflicting classifications of pathogenicity. Review status: criteria provided, conflicting classifications (1 of 4 stars). 5 submissions from 5 submitters: Uncertain significance (1); Likely benign (4). Last evaluated 2025-11-17.

Allele frequency attached by ClinVar (database versions not stated): gnomAD 0.00004; gnomAD exomes 0.00009; ExAC 0.00018; 1000 Genomes Project 30x 0.00031; 1000 Genomes Project 0.00040.
gnomAD v4.1: 129 of 1,611,630 alleles (0.008%); highest among the groups gnomAD compares: South Asian, 0.14%; 1 homozygote.

Submissions (5):

Labcorp Genetics (formerly Invitae), Labcorp
Classification: Likely benign. Last evaluated: 2025-11-17. Review status: criteria provided, single submitter. Criteria: Invitae Variant Classification Sherloc (09022015). Collection method: clinical testing. Allele origin: germline.

Mayo Clinic Laboratories, Mayo Clinic
Classification: Likely benign. Last evaluated: 2025-06-17. Review status: criteria provided, single submitter. Criteria: ACMG Guidelines, 2015. Collection method: clinical testing. Allele origin: germline. Observed: 2 variant alleles.
Comment: BS1, BP2, PP2, PP3_moderate

Blueprint Genetics
Classification: Likely benign. Last evaluated: 2024-09-02. Review status: criteria provided, single submitter. Criteria: ACMG Guidelines, 2015. Collection method: clinical testing. Allele origin: germline.

CeGaT Center for Human Genetics Tuebingen
Classification: Likely benign. Last evaluated: 2024-08-01. Review status: criteria provided, single submitter. Criteria: CeGaT Center For Human Genetics Tuebingen Variant Classification Criteria Version 2. Collection method: clinical testing. Allele origin: germline. Affected: yes. Observed: 1 variant allele.
Comment: MYH9: BS1

GeneDx
Classification: Uncertain significance. Last evaluated: 2023-06-29. Review status: criteria provided, single submitter. Criteria: GeneDx Variant Classification Process June 2021. Collection method: clinical testing. Allele origin: germline. Affected: yes.
Comment: Reported with a second variant (phase unknown) in a patient with sensorineural hearing loss and end-stage renal disease in published literature (Seri et al., 2003); In silico analysis supports that this missense variant has a deleterious effect on protein structure/function; This variant is associated with the following publications: (PMID: 25077172, 31243205, 19191864, 12792306, 24186861, 24643058, 14671068)